The following is an entry in ClinVar:

ClinVar aggregate classification (germline): Uncertain significance (1 of 4 stars; one submission).

Conditions:
Inborn genetic diseases. Identifiers: MedGen C0950123, MeSH D030342.

Submission:

Ambry Genetics
Classification: Uncertain significance for Inborn genetic diseases. Last evaluated: 2025-02-02. Review status: criteria provided, single submitter. Criteria: Ambry Variant Classification Scheme 2023. Collection method: clinical testing. Allele origin: germline.
Comment: The p.A170S variant (also known as c.508G>T), located in coding exon 1 of the CEBPA gene, results from a G to T substitution at nucleotide position 508. The alanine at codon 170 is replaced by serine, an amino acid with similar properties. This amino acid position is conserved. In addition, this alteration is predicted to be tolerated by in silico analysis. Based on the available evidence, the clinical significance of this variant remains unclear.

NM_004364.5(CEBPA):c.508G>T (p.Ala170Ser)

Gene: CEBPA (CCAAT enhancer binding protein alpha; minus strand). Cytogenetic location: 19q13.11.
Variant type: single nucleotide variant.
Coding change: c.508G>T on transcript NM_004364.5 (MANE Select); coding-DNA position 508, G replaced by T.
Protein change: p.Ala170Ser; replaces alanine 170 with serine.
Molecular consequence: missense variant.
Genome position (GRCh38, 1-based): chr19:33,301,907, C>A on the plus strand (G>T on the coding strand, the complement: CEBPA is on the minus strand). VCF-style: chr19-33301907-C-A. GRCh37 (hg19) VCF-style: chr19-33792813-C-A.
Other names: c.151G>T, p.Ala51Ser (NM_001285829.2); c.613G>T, p.Ala205Ser (NM_001287424.2); c.466G>T, p.Ala156Ser (NM_001287435.2); short protein forms A51S, A170S, A205S, A156S.
Identifiers: ClinVar variation 3831193 (VCV003831193.1).